The following is an entry in ClinVar:

NM_002968.3(SALL1):c.1027dup (p.Ile343fs)

Gene: SALL1 (spalt like transcription factor 1; minus strand). Cytogenetic location: 16q12.1.
Variant type: Duplication.
Coding change: c.1027dup on transcript NM_002968.3 (MANE Select); coding-DNA position 1027, one base duplicated (A; older notation c.1027dupA).
Protein change: p.Ile343fs; shifts the reading frame from isoleucine 343.
Molecular consequence: frameshift variant.
Genome position (GRCh38, 1-based): chr16:51,141,195, T duplicated on the plus strand (A on the coding strand, the reverse complement: SALL1 is on the minus strand). VCF-style (leftmost placement, unchanged base first): chr16-51141194-A-AT. GRCh37 (hg19) VCF-style: chr16-51175105-A-AT.
Other names: c.736dup, p.Ile246fs (NM_001127892.2); short protein forms I246fs, I343fs.
Identifiers: ClinVar variation 1071229 (VCV001071229.9), dbSNP rs2143448046, ClinGen allele CA2499223547.
Genomic context (GRCh38, chr16:51,141,194, plus strand): 5'-GAGGCCCCAGCACTTGAAGCCACTTTTTCAGAGGACGGGGTGGTAACTGCCGCTGCCAAT[A>AT]TGTTCATATTGGGAGAAGAGCCGCTGTTGGATGGAATGATGGTGTTGCCAGAACTGCTCT-3'

ClinVar aggregate classification (germline): Pathogenic (1 of 4 stars; one submission).

Conditions:
Townes syndrome (TBS). Also called: Townes-Brocks syndrome. Identifiers: Orphanet 857, MedGen C0265246, MeSH C536974, MONDO:0007142.

Submission:

Labcorp Genetics (formerly Invitae), Labcorp
Classification: Pathogenic for Townes syndrome. Last evaluated: 2020-03-26. Review status: criteria provided, single submitter. Criteria: Invitae Variant Classification Sherloc (09022015). Collection method: clinical testing. Allele origin: germline.
Comment: This variant has not been reported in the literature in individuals with SALL1-related conditions. Loss-of-function variants in SALL1 are known to be pathogenic (PMID: 9973281, 12915476, 16088922, 23069192). For these reasons, this variant has been classified as Pathogenic. This sequence change creates a premature translational stop signal (p.Ile343Asnfs*12) in the SALL1 gene. It is expected to result in an absent or disrupted protein product. This variant is not present in population databases (ExAC no frequency).

Literature cited by the submitters: PubMed 9973281; PubMed 12915476; PubMed 16088922; PubMed 23069192.